The following is an entry in ClinVar:

NM_000492.4(CFTR):c.1304T>A (p.Leu435His)

Genes: CFTR (CF transmembrane conductance regulator; plus strand), CFTR-AS1 (CFTR antisense RNA 1; minus strand). Cytogenetic location: 7q31.2.
Variant type: single nucleotide variant.
Coding change: c.1304T>A on transcript NM_000492.4 (MANE Select); coding-DNA position 1304, T replaced by A.
Protein change: p.Leu435His; replaces leucine 435 with histidine.
Molecular consequence: missense variant.
Genome position (GRCh38, 1-based): chr7:117,548,735, T>A. VCF-style: chr7-117548735-T-A. GRCh37 (hg19) VCF-style: chr7-117188789-T-A.
Other names: short protein forms L435H.
Identifiers: ClinVar variation 5034414 (VCV005034414.1).

ClinVar aggregate classification (germline): Uncertain significance (1 of 4 stars; one submission).

Conditions:
Cystic fibrosis (CF). Also called: MUCOVISCIDOSIS. Identifiers: Orphanet 586, MedGen C0010674, MONDO:0009061, OMIM 219700. Disease mechanism: loss of function.

Submission:

Ambry Genetics
Classification: Uncertain significance for Cystic fibrosis. Last evaluated: 2026-07-22. Review status: criteria provided, single submitter. Criteria: Ambry Variant Classification Scheme 2023. Collection method: clinical testing. Allele origin: germline.
Comment: The p.L435H variant (also known as c.1304T>A), located in coding exon 10 of the CFTR gene, results from a T to A substitution at nucleotide position 1304. The leucine at codon 435 is replaced by histidine, an amino acid with similar properties. This amino acid position is conserved. In addition, the in silico prediction for this alteration is inconclusive. Based on the available evidence, the clinical significance of this variant remains unclear.